The following is an entry in ClinVar:

NM_000501.4(ELN):c.449A>G (p.Tyr150Cys)

Gene: ELN (elastin; plus strand). Cytogenetic location: 7q11.23.
Variant type: single nucleotide variant.
Coding change: c.449A>G on transcript NM_000501.4 (MANE Select); coding-DNA position 449, A replaced by G.
Protein change: p.Tyr150Cys; replaces tyrosine 150 with cysteine.
Molecular consequence: missense variant.
Genome position (GRCh38, 1-based): chr7:74,043,900, A>G. VCF-style: chr7-74043900-A-G. GRCh37 (hg19) VCF-style: chr7-73458230-A-G.
Other names: c.419A>G, p.Tyr140Cys (NM_001081752.3, NM_001278917.2, NM_001278918.2); c.464A>G, p.Tyr155Cys (NM_001081753.3, NM_001081754.3); c.449A>G, p.Tyr150Cys (NM_001081755.3, NM_001278912.2, NM_001278915.2 and 2 more transcripts); c.413A>G, p.Tyr138Cys (NM_001278913.2); c.434A>G, p.Tyr145Cys (NM_001278914.2); short protein forms Y145C, Y140C, Y150C, Y138C, Y155C.
Identifiers: ClinVar variation 4992504 (VCV004992504.1).

ClinVar aggregate classification (germline): Uncertain significance (1 of 4 stars; one submission).

Conditions:
ELN-related disorder.

gnomAD v4.1: 1 of 1,614,042 alleles (0.000062%); highest among the groups gnomAD compares: Non-Finnish European, 0.000085%; no homozygotes.

Submission:

PreventionGenetics, part of Exact Sciences
Classification: Uncertain significance for ELN-related condition. Last evaluated: 2026-07-02. Review status: criteria provided, single submitter. Criteria: ACMG Guidelines, 2015. Collection method: clinical testing. Allele origin: germline.
Comment: The ELN c.449A>G variant is predicted to result in the amino acid substitution p.Tyr150Cys. To our knowledge, this variant has not been reported in the literature or in a large population database (gnomAD), indicating this variant is rare. At this time, the clinical significance of this variant is uncertain due to the absence of conclusive functional and genetic evidence.